The following is an entry in ClinVar:

NM_015978.3(TNNI3K):c.997A>G (p.Ile333Val)

Genes: FPGT-TNNI3K (FPGT-TNNI3K readthrough; plus strand), TNNI3K (TNNI3 interacting kinase; plus strand). Cytogenetic location: 1p31.1.
Variant type: single nucleotide variant.
Coding change: c.997A>G on transcript NM_015978.3 (MANE Select); coding-DNA position 997, A replaced by G.
Protein change: p.Ile333Val; replaces isoleucine 333 with valine.
Molecular consequence: missense variant.
Genome position (GRCh38, 1-based): chr1:74,353,330, A>G. VCF-style: chr1-74353330-A-G. GRCh37 (hg19) VCF-style: chr1-74819014-A-G.
Other names: p.Ile333Val; c.1300A>G, p.Ile434Val (NM_001112808.3, NM_001199327.2); short protein forms I333V, I434V.
Identifiers: ClinVar variation 1978656 (VCV001978656.6), dbSNP rs759888691, ClinGen allele CA909103.

ClinVar aggregate classification (germline): Uncertain significance. Review status: criteria provided, multiple submitters, no conflicts (2 of 4 stars). 3 submissions from 3 submitters: Uncertain significance (3). Last evaluated 2025-11-01.

Allele frequency attached by ClinVar (database versions not stated): ExAC 0.00001; gnomAD exomes 0.00001; TOPMed 0.00001.
gnomAD v4.1: 10 of 1,614,020 alleles (0.00062%); highest among the groups gnomAD compares: Non-Finnish European, 0.00076%; no homozygotes.

Submissions (3):

Labcorp Genetics (formerly Invitae), Labcorp
Classification: Uncertain significance. Last evaluated: 2025-11-01. Review status: criteria provided, single submitter. Criteria: Invitae Variant Classification Sherloc (09022015). Collection method: clinical testing. Allele origin: germline.
Comment: This sequence change replaces isoleucine, which is neutral and non-polar, with valine, which is neutral and non-polar, at codon 333 of the TNNI3K protein (p.Ile333Val). This variant is present in population databases (rs759888691, gnomAD 0.0009%). This variant has not been reported in the literature in individuals affected with TNNI3K-related conditions. ClinVar contains an entry for this variant (Variation ID: 1978656). Invitae Evidence Modeling of protein sequence and biophysical properties (such as structural, functional, and spatial information, amino acid conservation, physicochemical variation, residue mobility, and thermodynamic stability) indicates that this missense variant is not expected to disrupt TNNI3K protein function with a negative predictive value of 80%. In summary, the available evidence is currently insufficient to determine the role of this variant in disease. Therefore, it has been classified as a Variant of Uncertain Significance.

Blueprint Genetics
Classification: Uncertain significance. Last evaluated: 2023-10-05. Review status: criteria provided, single submitter. Criteria: ACMG Guidelines, 2015. Collection method: clinical testing. Allele origin: germline.

Mayo Clinic Laboratories, Mayo Clinic
Classification: Uncertain significance. Last evaluated: 2023-08-25. Review status: criteria provided, single submitter. Criteria: ACMG Guidelines, 2015. Collection method: clinical testing. Allele origin: germline. Observed: 1 variant allele.
Comment: BP4_strong